The following is an entry in ClinVar:

ClinVar aggregate classification (germline): Uncertain significance. Review status: criteria provided, multiple submitters, no conflicts (2 of 4 stars). 5 submissions from 5 submitters: Uncertain significance (5). Last evaluated 2025-11-24.

Conditions:
Hereditary cancer-predisposing syndrome. Also called: Hereditary Cancer Syndrome; Hereditary neoplastic syndrome; Tumor predisposition; Neoplastic Syndromes, Hereditary. Identifiers: Orphanet 140162, MedGen C0027672, MeSH D009386, MONDO:0015356.
Chuvash polycythemia. Also called: POLYCYTHEMIA, VHL-DEPENDENT. Identifiers: Orphanet 238557, MedGen C1837915, MONDO:0009892, OMIM 263400.
Von Hippel-Lindau syndrome (VHLS). Also called: Von Hippel-Lindau; von Hippel–Lindau syndrome; VHL syndrome. Identifiers: Orphanet 892, MedGen C0019562, MONDO:0008667, OMIM 193300. Disease mechanism: loss of function.
Nonpapillary renal cell carcinoma. Identifiers: Orphanet 422526, MedGen CN074294, MONDO:0007763, OMIM 144700.
Pheochromocytoma. Also called: MAX-Related Hereditary Paraganglioma-Pheochromocytoma Syndrome. Identifiers: Orphanet 29072, MedGen C0031511, MONDO:0008233, OMIM 171300, HP:0002666.

Allele frequency attached by ClinVar (database versions not stated): gnomAD exomes 0.00001.
gnomAD v4.1: 1 of 1,542,036 alleles (0.000065%); highest among the groups gnomAD compares: South Asian, 0.0012%; no homozygotes.

Submissions (5):

Labcorp Genetics (formerly Invitae), Labcorp
Classification: Uncertain significance for Von Hippel-Lindau syndrome; Chuvash polycythemia. Last evaluated: 2025-11-24. Review status: criteria provided, single submitter. Criteria: Invitae Variant Classification Sherloc (09022015). Collection method: clinical testing. Allele origin: germline.
Comment: This sequence change creates a premature translational stop signal (p.Ser33*) in the VHL gene. It is unclear whether it will result in an absent or disrupted protein product because an in-frame methionine located at codon 54 has the potential to rescue this variant. The frequency data for this variant in the population databases is considered unreliable, as metrics indicate poor data quality at this position in the gnomAD database. This premature translational stop signal has been observed in individual(s) with breast cancer (PMID: 28724667). ClinVar contains an entry for this variant (Variation ID: 639599). Several studies have shown that the VHL protein created from a downstream methionine located at codon 54 is biologically active, and exhibits properties similar to the full-length, wild-type protein (PMID: 9671762, 9751722). In summary, the available evidence is currently insufficient to determine the role of this variant in disease. Therefore, it has been classified as a Variant of Uncertain Significance.

Dasa
Classification: Uncertain significance. Last evaluated: 2025-10-15. Review status: criteria provided, single submitter. Criteria: DASA Assertion Criteria. Collection method: clinical testing. Allele origin: germline.
Comment: NM_000551.4(VHL):c.98C>A (p.Ser33Ter) is a nonsense variant in VHL predicted to introduce a premature termination codon. This variant is rare in population databases. The currently available literature and clinical evidence are not sufficient to establish a definitive association between this variant and the reported condition. Therefore, this variant is classified as a variant of uncertain significance.

Ambry Genetics
Classification: Uncertain significance for Hereditary cancer-predisposing syndrome. Last evaluated: 2024-12-17. Review status: criteria provided, single submitter. Criteria: Ambry Variant Classification Scheme 2023. Collection method: clinical testing. Allele origin: germline.
Comment: The p.S33* variant (also known as c.98C>A), located in coding exon 1 of the VHL gene, results from a C to A substitution at nucleotide position 98. This changes the amino acid from a serine to a stop codon within coding exon 1. This alteration was detected in a cohort of 8085 consecutive unselected Chinese breast cancer patients who underwent multi-gene panel testing (Sun J et al. Clin. Cancer Res. 2017 Oct;23:6113-6119) as well as in a Qatari population-based genome sequencing program (Elfatih A et al. Eur J Hum Genet, 2024 Nov;32:1465-1473). Premature stop codons are typically deleterious in nature; however, an alternate initiation codon exists 21 residues downstream from this alteration, and is reported to result in a biologically active isoform known as VHL19 (Iliopoulos O et al. Proc. Natl. Acad. Sci. U.S.A. 1998 Sep; 95(20):11661-6; Schoenfeld A et al. Proc. Natl. Acad. Sci. U.S.A. 1998 Jul; 95(15):8817-22). Since supporting evidence is limited at this time, the clinical significance of this variant remains unclear.

KCCC/NGS Laboratory, Kuwait Cancer Control Center
Classification: Uncertain significance for Von Hippel-Lindau syndrome. Last evaluated: 2024-05-02. Review status: criteria provided, single submitter. Criteria: ACMG Guidelines, 2015. Collection method: clinical testing. Allele origin: germline. Inheritance: Autosomal dominant inheritance. Affected: yes. Observed: 1 heterozygote.
Comment: This sequence change creates a premature translational stop signal (p.Ser33*) in the VHL gene. It is unclear whether it will result in an absent or disrupted protein product because an in-frame methionine located at codon 54 has the potential to rescue this variant. The frequency data for this variant in the population databases is considered unreliable, as metrics indicate poor data quality at this position in the gnomAD database. This premature translational stop signal has been observed in individual(s) with breast cancer (PMID: 28724667). ClinVar contains an entry for this variant (Variation ID: 639599). Several studies have shown that the VHL protein created from a downstream methionine located at codon 54 is biologically active, and exhibits properties similar to the full-length, wild-type protein (PMID: 9671762, 9751722). The available evidence is currently insufficient to determine the role of this variant in disease. Therefore, it has been classified as a Variant of Uncertain Significance.

Department of Pathology and Laboratory Medicine, Sinai Health System
Classification: Uncertain significance for Nonpapillary renal cell carcinoma; Pheochromocytoma; Von Hippel-Lindau syndrome; Chuvash polycythemia. Last evaluated: 2022-11-29. Review status: criteria provided, single submitter. Criteria: ACMG Guidelines, 2015. Collection method: research. Allele origin: germline.

Literature cited by the submitters: PubMed 28724667 (cited by Labcorp Genetics (formerly Invitae), Labcorp and Ambry Genetics); PubMed 9671762 (cited by Labcorp Genetics (formerly Invitae), Labcorp); PubMed 9751722 (cited by Labcorp Genetics (formerly Invitae), Labcorp); PubMed 39020067 (cited by Ambry Genetics).

NM_000551.4(VHL):c.98C>A (p.Ser33Ter)

Gene: VHL (von Hippel-Lindau tumor suppressor; plus strand). Cytogenetic location: 3p25.3.
Variant type: single nucleotide variant.
Coding change: c.98C>A on transcript NM_000551.4 (MANE Select); coding-DNA position 98, C replaced by A.
Protein change: p.Ser33Ter; replaces serine 33 with a stop codon.
Molecular consequence: nonsense.
Genome position (GRCh38, 1-based): chr3:10,141,945, C>A. VCF-style: chr3-10141945-C-A. GRCh37 (hg19) VCF-style: chr3-10183629-C-A.
Other names: c.98C>A, p.Ser33Ter (NM_001354723.2, NM_198156.3); short protein forms S33*.
Identifiers: ClinVar variation 639599 (VCV000639599.18), dbSNP rs1476994915, ClinGen allele CA351747649.